The following is an entry in ClinVar:

ClinVar aggregate classification (germline): Uncertain significance (1 of 4 stars; one submission).

Submission:

Quest Diagnostics Nichols Institute San Juan Capistrano
Classification: Uncertain significance. Last evaluated: 2023-06-29. Review status: criteria provided, single submitter. Criteria: Quest Diagnostics criteria. Collection method: clinical testing. Allele origin: unknown.
Comment: To the best of our knowledge, this variant has not been reported in the published literature. It also has not been reported in large, multi-ethnic general populations (Genome Aggregation Database). Analysis of this variant using a bioinformatics tool for the prediction of the effect of amino acid changes on protein structure and function yielded predictions that this variant is benign. Based on the available information, we are unable to determine the clinical significance of this variant.

NM_004656.4(BAP1):c.1206G>T (p.Glu402Asp)

Gene: BAP1 (BRCA1 associated deubiquitinase 1; minus strand). Cytogenetic location: 3p21.1.
Variant type: single nucleotide variant.
Coding change: c.1206G>T on transcript NM_004656.4 (MANE Select); coding-DNA position 1206, G replaced by T.
Protein change: p.Glu402Asp; replaces glutamic acid 402 with aspartic acid.
Molecular consequence: missense variant.
Genome position (GRCh38, 1-based): chr3:52,404,497, C>A on the plus strand (G>T on the coding strand, the complement: BAP1 is on the minus strand). VCF-style: chr3-52404497-C-A. GRCh37 (hg19) VCF-style: chr3-52438513-C-A.
Other names: c.1152G>T, p.Glu384Asp (NM_001410772.1); short protein forms E384D, E402D.
Identifiers: ClinVar variation 2682080 (VCV002682080.1), dbSNP rs1284025796, ClinGen allele CA353102967.